The following is an entry in ClinVar:

ClinVar aggregate classification (germline): Uncertain significance. Review status: criteria provided, multiple submitters, no conflicts (2 of 4 stars). 3 submissions from 3 submitters: Uncertain significance (2). 1 of the submissions does not count toward it. Last evaluated 2025-10-29.

Conditions:
Ataxia-telangiectasia syndrome (AT). Also called: ATAXIA-TELANGIECTASIA, COMPLEMENTATION GROUP A; ATAXIA-TELANGIECTASIA, FRESNO VARIANT; Ataxia-telangiectasia, complementation group E; Ataxia telangiectasia (A-T); LOUIS-BAR SYNDROME; Cerebello-oculocutaneous telangiectasia. Identifiers: Orphanet 100, MedGen C0004135, MONDO:0008840, OMIM 208900.
Hereditary cancer-predisposing syndrome. Also called: Neoplastic Syndromes, Hereditary; Hereditary Cancer Syndrome; Hereditary neoplastic syndrome; Tumor predisposition. Identifiers: Orphanet 140162, MedGen C0027672, MeSH D009386, MONDO:0015356.

Allele frequency attached by ClinVar (database versions not stated): ExAC 0.00001.
gnomAD v4.1: 2 of 1,542,012 alleles (0.00013%); highest among the groups gnomAD compares: Admixed American, 0.0034%; no homozygotes.

Submissions (3):

Labcorp Genetics (formerly Invitae), Labcorp
Classification: Uncertain significance for Ataxia-telangiectasia syndrome. Last evaluated: 2025-10-29. Review status: criteria provided, single submitter. Criteria: Invitae Variant Classification Sherloc (09022015). Collection method: clinical testing. Allele origin: germline.
Comment: This sequence change replaces serine, which is neutral and polar, with phenylalanine, which is neutral and non-polar, at codon 1232 of the ATM protein (p.Ser1232Phe). This variant is present in population databases (rs367603277, gnomAD 0.006%). This variant has not been reported in the literature in individuals affected with ATM-related conditions. ClinVar contains an entry for this variant (Variation ID: 824082). Invitae Evidence Modeling of protein sequence and biophysical properties (such as structural, functional, and spatial information, amino acid conservation, physicochemical variation, residue mobility, and thermodynamic stability) indicates that this missense variant is not expected to disrupt ATM protein function with a negative predictive value of 95%. In summary, the available evidence is currently insufficient to determine the role of this variant in disease. Therefore, it has been classified as a Variant of Uncertain Significance.

Ambry Genetics
Classification: Uncertain significance for Hereditary cancer-predisposing syndrome. Last evaluated: 2024-11-20. Review status: criteria provided, single submitter. Criteria: Ambry Variant Classification Scheme 2023. Collection method: clinical testing. Allele origin: germline.
Comment: The p.S1232F variant (also known as c.3695C>T), located in coding exon 24 of the ATM gene, results from a C to T substitution at nucleotide position 3695. The serine at codon 1232 is replaced by phenylalanine, an amino acid with highly dissimilar properties. This amino acid position is well conserved in available vertebrate species. In addition, the in silico prediction for this alteration is inconclusive. Since supporting evidence is limited at this time, the clinical significance of this alteration remains unclear.

Natera, Inc.
Classification: Uncertain significance for Ataxia-telangiectasia. Last evaluated: 2021-03-26. Review status: no assertion criteria provided. Collection method: clinical testing. Allele origin: germline. Not counted in ClinVar's aggregate classification.

NM_000051.4(ATM):c.3695C>T (p.Ser1232Phe)

Gene: ATM (ATM serine/threonine kinase; plus strand). Cytogenetic location: 11q22.3.
Variant type: single nucleotide variant.
Coding change: c.3695C>T on transcript NM_000051.4 (MANE Select); coding-DNA position 3695, C replaced by T.
Protein change: p.Ser1232Phe; replaces serine 1232 with phenylalanine.
Molecular consequence: missense variant.
Genome position (GRCh38, 1-based): chr11:108,282,828, C>T. VCF-style: chr11-108282828-C-T. GRCh37 (hg19) VCF-style: chr11-108153555-C-T.
Other names: c.3695C>T, p.Ser1232Phe (NM_001351834.2); short protein forms S1232F.
Identifiers: ClinVar variation 824082 (VCV000824082.20), dbSNP rs367603277, ClinGen allele CA6265333.